The following is an entry in ClinVar:

NM_000492.4(CFTR):c.4396G>T (p.Ala1466Ser)

Genes: CFTR (CF transmembrane conductance regulator; plus strand), LOC111674477 (CFTR intron 23 enhancer; plus strand). Cytogenetic location: 7q31.2.
Variant type: single nucleotide variant.
Coding change: c.4396G>T on transcript NM_000492.4 (MANE Select); coding-DNA position 4396, G replaced by T.
Protein change: p.Ala1466Ser; replaces alanine 1466 with serine.
Molecular consequence: missense variant.
Genome position (GRCh38, 1-based): chr7:117,667,061, G>T. VCF-style: chr7-117667061-G-T. GRCh37 (hg19) VCF-style: chr7-117307115-G-T.
Other names: short protein forms A1466S.
Identifiers: ClinVar variation 850844 (VCV000850844.14), dbSNP rs199827645, ClinGen allele CA4451703.

ClinVar aggregate classification (germline): Uncertain significance. Review status: criteria provided, multiple submitters, no conflicts (2 of 4 stars). 5 submissions from 5 submitters: Uncertain significance (4). 1 of the submissions does not count toward it. Last evaluated 2025-04-11.

Conditions:
Cystic fibrosis (CF). Also called: MUCOVISCIDOSIS. Identifiers: Orphanet 586, MedGen C0010674, MONDO:0009061, OMIM 219700. Disease mechanism: loss of function.
CFTR-related disorder (CFTR-RD). Also called: CFTR-related disorders; CFTR-related condition. Identifiers: MedGen C5924204, MONDO:7770004.

Allele frequency attached by ClinVar (database versions not stated): TOPMed below 0.00001; gnomAD exomes 0.00001 and 0.00002; ExAC 0.00002.
gnomAD v4.1: 13 of 1,614,028 alleles (0.00081%); highest among the groups gnomAD compares: Non-Finnish European, 0.0011%; no homozygotes.

Submissions (5):

Ambry Genetics
Classification: Uncertain significance for Cystic fibrosis. Last evaluated: 2025-04-11. Review status: criteria provided, single submitter. Criteria: Ambry Variant Classification Scheme 2023. Collection method: clinical testing. Allele origin: germline.
Comment: The p.A1466S variant (also known as c.4396G>T), located in coding exon 27 of the CFTR gene, results from a G to T substitution at nucleotide position 4396. The alanine at codon 1466 is replaced by serine, an amino acid with similar properties. This amino acid position is well conserved in available vertebrate species. In addition, this alteration is predicted to be tolerated by in silico analysis. Based on the available evidence, the clinical significance of this variant remains unclear.

Labcorp Genetics (formerly Invitae), Labcorp
Classification: Uncertain significance for Cystic fibrosis. Last evaluated: 2024-11-16. Review status: criteria provided, single submitter. Criteria: Invitae Variant Classification Sherloc (09022015). Collection method: clinical testing. Allele origin: germline.
Comment: This sequence change replaces alanine, which is neutral and non-polar, with serine, which is neutral and polar, at codon 1466 of the CFTR protein (p.Ala1466Ser). This variant is present in population databases (rs199827645, gnomAD 0.004%). This variant has not been reported in the literature in individuals affected with CFTR-related conditions. ClinVar contains an entry for this variant (Variation ID: 850844). An algorithm developed to predict the effect of missense changes on protein structure and function outputs the following: PolyPhen-2: "Benign". The serine amino acid residue is found in multiple mammalian species, which suggests that this missense change does not adversely affect protein function. In summary, the available evidence is currently insufficient to determine the role of this variant in disease. Therefore, it has been classified as a Variant of Uncertain Significance.

Blueprint Genetics
Classification: Uncertain significance. Last evaluated: 2024-01-08. Review status: criteria provided, single submitter. Criteria: ACMG Guidelines, 2015. Collection method: clinical testing. Allele origin: germline.

Quest Diagnostics Nichols Institute San Juan Capistrano
Classification: Uncertain significance. Last evaluated: 2023-06-30. Review status: criteria provided, single submitter. Criteria: Quest Diagnostics criteria. Collection method: clinical testing. Allele origin: unknown.
Comment: The CFTR c.4396G>T (p.Ala1466Ser) variant, to the best of our knowledge, has not been reported in the published literature. The frequency of this variant in the general population, 0.000097 (3/30892 chromosomes (Genome Aggregation Database)), is uninformative in the assessment of its pathogenicity. Analysis of this variant using bioinformatics tools for the prediction of the effect of amino acid changes on protein structure and function yielded predictions that this variant is benign. Based on the available information, we are unable to determine the clinical significance of this variant.

Natera, Inc.
Classification: Uncertain significance for CFTR-related disorders. Last evaluated: 2019-01-14. Review status: no assertion criteria provided. Collection method: clinical testing. Allele origin: germline. Not counted in ClinVar's aggregate classification.